The following is an entry in ClinVar:

ClinVar aggregate classification (germline): Uncertain significance (1 of 4 stars; one submission).

Conditions:
Primary ciliary dyskinesia 33. Also called: CILIARY DYSKINESIA, PRIMARY, 33, WITHOUT SITUS INVERSUS. Identifiers: Orphanet 244, MedGen C4225230, MONDO:0014750, OMIM 616726.

Allele frequency attached by ClinVar (database versions not stated): gnomAD exomes 0.00009 and 0.00020; gnomAD 0.00014 and 0.00015; TOPMed 0.00016; ExAC 0.00023.
gnomAD v4.1: 162 of 1,605,912 alleles (0.01%); highest among the groups gnomAD compares: Admixed American, 0.1%; no homozygotes.

Submission:

Labcorp Genetics (formerly Invitae), Labcorp
Classification: Uncertain significance for Primary ciliary dyskinesia 33. Last evaluated: 2025-01-06. Review status: criteria provided, single submitter. Criteria: Invitae Variant Classification Sherloc (09022015). Collection method: clinical testing. Allele origin: germline.
Comment: This sequence change replaces glutamine, which is neutral and polar, with arginine, which is basic and polar, at codon 354 of the GAS8 protein (p.Gln354Arg). This variant is present in population databases (rs761102420, gnomAD 0.1%). This variant has not been reported in the literature in individuals affected with GAS8-related conditions. ClinVar contains an entry for this variant (Variation ID: 857702). Invitae Evidence Modeling of protein sequence and biophysical properties (such as structural, functional, and spatial information, amino acid conservation, physicochemical variation, residue mobility, and thermodynamic stability) indicates that this missense variant is not expected to disrupt GAS8 protein function with a negative predictive value of 80%. In summary, the available evidence is currently insufficient to determine the role of this variant in disease. Therefore, it has been classified as a Variant of Uncertain Significance.

NM_001481.3(DRC4):c.1061A>G (p.Gln354Arg)

Gene: DRC4 (dynein regulatory complex subunit 4; plus strand). Cytogenetic location: 16q24.3.
Variant type: single nucleotide variant.
Coding change: c.1061A>G on transcript NM_001481.3 (MANE Select); coding-DNA position 1061, A replaced by G.
Protein change: p.Gln354Arg; replaces glutamine 354 with arginine.
Molecular consequence: missense variant. On other transcripts: non-coding transcript variant (1).
Genome position (GRCh38, 1-based): chr16:90,040,349, A>G. VCF-style: chr16-90040349-A-G. GRCh37 (hg19) VCF-style: chr16-90106757-A-G.
Other names: c.812A>G, p.Gln271Arg (NM_001286205.2); c.485A>G, p.Gln162Arg (NM_001286208.2); c.986A>G, p.Gln329Arg (NM_001286209.2); short protein forms Q162R, Q271R, Q329R, Q354R.
Identifiers: ClinVar variation 857702 (VCV000857702.5), dbSNP rs761102420, ClinGen allele CA8258091.
Genomic context (GRCh38, chr16:90,040,349, plus strand): 5'-TGTCCCTACAGGTGCAGCAGGAGCGGGACGAGCTCTATCGGAAGTTCACCGCAGCCATCC[A>G]GGAGGTGCAGCAGAAGACAGGGTTCAAGAACCTCGTGCTAGAACGCAAGCTGCAGGCTCT-3'
Protein context (NP_001472.1, residues 344-364): ELYRKFTAAI[Gln354Arg]EVQQKTGFKN